The following is an entry in ClinVar:

ClinVar aggregate classification (germline): Uncertain significance (1 of 4 stars; one submission).

Submission:

GeneDx
Classification: Uncertain significance. Last evaluated: 2021-03-15. Review status: criteria provided, single submitter. Criteria: GeneDx Variant Classification Process June 2021. Collection method: clinical testing. Allele origin: germline. Affected: yes.
Comment: Not observed in large population cohorts (Lek et al., 2016); In silico analysis supports that this missense variant has a deleterious effect on protein structure/function; In silico analysis supports a deleterious effect on splicing; Has not been previously published as pathogenic or benign to our knowledge

NM_001378964.1(CDON):c.1136A>G (p.Gln379Arg)

Gene: CDON (cell adhesion associated, oncogene regulated; minus strand). Cytogenetic location: 11q24.2.
Variant type: single nucleotide variant.
Coding change: c.1136A>G on transcript NM_001378964.1 (MANE Select); coding-DNA position 1136, A replaced by G.
Protein change: p.Gln379Arg; replaces glutamine 379 with arginine.
Molecular consequence: missense variant.
Genome position (GRCh38, 1-based): chr11:126,015,303, T>C on the plus strand (A>G on the coding strand, the complement: CDON is on the minus strand). VCF-style: chr11-126015303-T-C. GRCh37 (hg19) VCF-style: chr11-125885198-T-C.
Other names: c.1136A>G, p.Gln379Arg (NM_001243597.3, NM_016952.6); short protein forms Q379R.
Identifiers: ClinVar variation 1303947 (VCV001303947.2), dbSNP rs2134658599, ClinGen allele CA383210083.